The following is an entry in ClinVar:

NM_032801.5(JAM3):c.116G>A (p.Arg39Gln)

Gene: JAM3 (junctional adhesion molecule 3; plus strand). Cytogenetic location: 11q25.
Variant type: single nucleotide variant.
Coding change: c.116G>A on transcript NM_032801.5 (MANE Select); coding-DNA position 116, G replaced by A.
Protein change: p.Arg39Gln; replaces arginine 39 with glutamine.
Molecular consequence: missense variant.
Genome position (GRCh38, 1-based): chr11:134,139,890, G>A. VCF-style: chr11-134139890-G-A. GRCh37 (hg19) VCF-style: chr11-134009785-G-A.
Other names: c.116G>A, p.Arg39Gln (NM_001205329.2); c.116G>A (NM_032801.4); short protein forms R39Q.
Identifiers: ClinVar variation 2060320 (VCV002060320.5), dbSNP rs768171224, ClinGen allele CA6369909.
Genomic context (GRCh38, chr11:134,139,890, plus strand): 5'-TTACTTTTCTTTCTCCTTCAGGCTGCCTGATAGGGGCTGTAAATCTCAAATCCAGCAATC[G>A]AACCCCAGTGGTACAGGAATTTGAAAGTAAGTACAAACGAAATGCCTAGGATAATGGGCA-3'
Protein context (NP_116190.3, residues 29-49): IGAVNLKSSN[Arg39Gln]TPVVQEFESV

ClinVar aggregate classification (germline): Uncertain significance. Review status: criteria provided, multiple submitters, no conflicts (2 of 4 stars). 2 submissions from 2 submitters: Uncertain significance (2). Last evaluated 2025-11-20.

Conditions:
Inborn genetic diseases. Identifiers: MedGen C0950123, MeSH D030342.

Allele frequency attached by ClinVar (database versions not stated): ExAC 0.00001; gnomAD exomes 0.00001.
gnomAD v4.1: 14 of 1,613,858 alleles (0.00087%); highest among the groups gnomAD compares: Non-Finnish European, 0.0012%; no homozygotes.

Submissions (2):

Ambry Genetics
Classification: Uncertain significance for Inborn genetic diseases. Last evaluated: 2025-11-20. Review status: criteria provided, single submitter. Criteria: Ambry Variant Classification Scheme 2023. Collection method: clinical testing. Allele origin: germline.

Labcorp Genetics (formerly Invitae), Labcorp
Classification: Uncertain significance. Last evaluated: 2022-05-12. Review status: criteria provided, single submitter. Criteria: Invitae Variant Classification Sherloc (09022015). Collection method: clinical testing. Allele origin: germline.
Comment: This sequence change replaces arginine, which is basic and polar, with glutamine, which is neutral and polar, at codon 39 of the JAM3 protein (p.Arg39Gln). This variant is present in population databases (rs768171224, gnomAD 0.002%). This variant has not been reported in the literature in individuals affected with JAM3-related conditions. Algorithms developed to predict the effect of missense changes on protein structure and function output the following: SIFT: "Tolerated"; PolyPhen-2: "Benign"; Align-GVGD: "Class C0". The glutamine amino acid residue is found in multiple mammalian species, which suggests that this missense change does not adversely affect protein function. In summary, the available evidence is currently insufficient to determine the role of this variant in disease. Therefore, it has been classified as a Variant of Uncertain Significance.